The following is an entry in ClinVar:

ClinVar aggregate classification (germline): Likely benign. Review status: criteria provided, multiple submitters, no conflicts (2 of 4 stars). 3 submissions from 3 submitters: Likely benign (3). Last evaluated 2022-04-24.

Conditions:
Diamond-Blackfan anemia 10 (DBA10). Also called: RPS26-Related Diamond-Blackfan Anemia. Identifiers: Orphanet 124, MedGen C2750080, MONDO:0013217, OMIM 613309.

Allele frequency attached by ClinVar (database versions not stated): gnomAD 0.00001; TOPMed 0.00001; ExAC 0.00002; gnomAD exomes 0.00002.
gnomAD v4.1: 10 of 1,613,574 alleles (0.00062%); highest among the groups gnomAD compares: South Asian, 0.0044%; no homozygotes.

Submissions (3):

Labcorp Genetics (formerly Invitae), Labcorp
Classification: Likely benign for Diamond-Blackfan anemia 10. Last evaluated: 2022-04-24. Review status: criteria provided, single submitter. Criteria: Invitae Variant Classification Sherloc (09022015). Collection method: clinical testing. Allele origin: germline.

Fulgent Genetics
Classification: Likely benign for Diamond-Blackfan anemia 10. Last evaluated: 2021-12-09. Review status: criteria provided, single submitter. Criteria: ACMG Guidelines, 2015. Collection method: clinical testing. Allele origin: unknown.

Illumina Laboratory Services, Illumina
Classification: Likely benign for Diamond-Blackfan anemia 10. Last evaluated: 2018-01-13. Review status: criteria provided, single submitter. Criteria: ICSL Variant Classification Criteria 13 December 2019. Collection method: clinical testing. Allele origin: germline.
Comment: This variant was observed in the ICSL laboratory as part of a predisposition screen in an ostensibly healthy population. It had not been previously curated by ICSL or reported in the Human Gene Mutation Database (HGMD: prior to June 1st, 2018), and was therefore a candidate for classification through an automated scoring system. Utilizing variant allele frequency, disease prevalence and penetrance estimates, and inheritance mode, an automated score was calculated to assess if this variant is too frequent to cause the disease. Based on the score and internal cut-off values, a variant classified as likely benign is not then subjected to further curation. The score for this variant resulted in a classification of likely benign for this disease.

NM_001029.5(RPS26):c.291C>T (p.Pro97=)

Gene: RPS26 (ribosomal protein S26; plus strand). Cytogenetic location: 12q13.2.
Variant type: single nucleotide variant.
Coding change: c.291C>T on transcript NM_001029.5 (MANE Select); coding-DNA position 291, C replaced by T.
Protein change: p.Pro97=; no amino-acid change (proline 97 retained).
Molecular consequence: synonymous variant.
Genome position (GRCh38, 1-based): chr12:56,043,472, C>T. VCF-style: chr12-56043472-C-T. GRCh37 (hg19) VCF-style: chr12-56437256-C-T.
Identifiers: ClinVar variation 883853 (VCV000883853.12), dbSNP rs766621663, ClinGen allele CA6621751.